The following is an entry in ClinVar:

ClinVar aggregate classification (germline): Conflicting classifications of pathogenicity. Review status: criteria provided, conflicting classifications (1 of 4 stars). 6 submissions from 6 submitters: Uncertain significance (3); Benign (1); Likely benign (2). Last evaluated 2026-02-03.

Conditions:
Hereditary spastic paraplegia. Also called: Familial spastic paraparesis. Identifiers: Orphanet 685, MedGen C0037773, MONDO:0019064. Disease mechanism: loss of function.
Progressive sclerosing poliodystrophy (MTDPS4A). Also called: Alpers Syndrome; ALPERS DIFFUSE DEGENERATION OF CEREBRAL GRAY MATTER WITH HEPATIC CIRRHOSIS; Alpers-Huttenlocher Syndrome; Mitochondrial DNA depletion syndrome 4A (Alpers type); Mitochondrial DNA Depletion Syndrome 4A; Alpers-Huttenlocher Syndrome (AHS). Identifiers: Orphanet 726, MedGen C0205710, MONDO:0008758, OMIM 203700.

Allele frequency attached by ClinVar (database versions not stated): gnomAD 0.00002 and 0.00003; gnomAD exomes 0.00005 and 0.00008; TOPMed 0.00005; ESP Exome Variant Server 0.00008; ExAC 0.00011.
gnomAD v4.1: 76 of 1,613,818 alleles (0.0047%); highest among the groups gnomAD compares: Middle Eastern, 0.082%; no homozygotes.

Submissions (6):

Labcorp Genetics (formerly Invitae), Labcorp
Classification: Likely benign for Progressive sclerosing poliodystrophy. Last evaluated: 2026-02-03. Review status: criteria provided, single submitter. Criteria: Invitae Variant Classification Sherloc (09022015). Collection method: clinical testing. Allele origin: germline.

CeGaT Center for Human Genetics Tuebingen
Classification: Uncertain significance. Last evaluated: 2026-02-01. Review status: criteria provided, single submitter. Criteria: CeGaT Center For Human Genetics Tuebingen Variant Classification Criteria Version 2. Collection method: clinical testing. Allele origin: germline. Affected: yes. Observed: 2 variant alleles.
Comment: POLG: PM2, BP4

Blueprint Genetics
Classification: Likely benign. Last evaluated: 2024-10-30. Review status: criteria provided, single submitter. Criteria: ACMG Guidelines, 2015. Collection method: clinical testing. Allele origin: germline.

Athena Diagnostics
Classification: Uncertain significance. Last evaluated: 2017-06-01. Review status: criteria provided, single submitter. Criteria: Athena Diagnostics Criteria. Collection method: clinical testing. Allele origin: germline.

Genome Diagnostics Laboratory, The Hospital for Sick Children
Classification: Uncertain significance for Hereditary spastic paraplegia. Last evaluated: 2016-12-12. Review status: criteria provided, single submitter. Criteria: ACMG Guidelines, 2015. Collection method: clinical testing. Allele origin: germline. Affected: yes.

GeneDx
Classification: Benign. Last evaluated: 2014-03-19. Review status: criteria provided, single submitter. Criteria: GeneDx Variant Classification (06012015). Collection method: clinical testing. Allele origin: germline. Affected: yes.
Comment: This variant is considered likely benign or benign based on one or more of the following criteria: it is a conservative change, it occurs at a poorly conserved position in the protein, it is predicted to be benign by multiple in silico algorithms, and/or has population frequency not consistent with disease.

NM_002693.3(POLG):c.3564C>T (p.Cys1188=)

Gene: POLG (DNA polymerase gamma, catalytic subunit; minus strand). Cytogenetic location: 15q26.1.
Variant type: single nucleotide variant.
Coding change: c.3564C>T on transcript NM_002693.3 (MANE Select); coding-DNA position 3564, C replaced by T.
Protein change: p.Cys1188=; no amino-acid change (cysteine 1188 retained).
Molecular consequence: synonymous variant.
Genome position (GRCh38, 1-based): chr15:89,317,455, G>A on the plus strand (C>T on the coding strand, the complement: POLG is on the minus strand). VCF-style: chr15-89317455-G-A. GRCh37 (hg19) VCF-style: chr15-89860686-G-A.
Other names: p.C1188C:TGC>TGT; c.3564C>T, p.Cys1188= (NM_001126131.2).
Identifiers: ClinVar variation 138765 (VCV000138765.43), dbSNP rs146584956, ClinGen allele CA292854.